The following is an entry in ClinVar:

NM_006648.4(WNK2):c.2842C>G (p.Pro948Ala)

Gene: WNK2 (WNK lysine deficient protein kinase 2; plus strand). Cytogenetic location: 9q22.31.
Variant type: single nucleotide variant.
Coding change: c.2842C>G on transcript NM_006648.4 (MANE Select); coding-DNA position 2842, C replaced by G.
Protein change: p.Pro948Ala; replaces proline 948 with alanine.
Molecular consequence: missense variant.
Genome position (GRCh38, 1-based): chr9:93,259,390, C>G. VCF-style: chr9-93259390-C-G. GRCh37 (hg19) VCF-style: chr9-96021672-C-G.
Other names: c.2842C>G, p.Pro948Ala (NM_001282394.3); short protein forms P948A.
Identifiers: ClinVar variation 4201765 (VCV004201765.1).

ClinVar aggregate classification (germline): Uncertain significance (1 of 4 stars; one submission).

Submission:

Ambry Genetics
Classification: Uncertain significance. Last evaluated: 2025-08-20. Review status: criteria provided, single submitter. Criteria: Ambry Variant Classification Scheme 2023. Collection method: clinical testing. Allele origin: germline.
Comment: The p.P948A variant (also known as c.2842C>G), located in coding exon 11 of the WNK2 gene, results from a C to G substitution at nucleotide position 2842. The proline at codon 948 is replaced by alanine, an amino acid with highly similar properties. This amino acid position is conserved. In addition, this alteration is predicted to be tolerated by in silico analysis. Based on the available evidence, the clinical significance of this variant remains unclear.